The following is an entry in ClinVar:

NM_015466.4(PTPN23):c.4407G>T (p.Leu1469Phe)

Gene: PTPN23 (protein tyrosine phosphatase non-receptor type 23; plus strand). Cytogenetic location: 3p21.31.
Variant type: single nucleotide variant.
Coding change: c.4407G>T on transcript NM_015466.4 (MANE Select); coding-DNA position 4407, G replaced by T.
Protein change: p.Leu1469Phe; replaces leucine 1469 with phenylalanine.
Molecular consequence: missense variant.
Genome position (GRCh38, 1-based): chr3:47,412,603, G>T. VCF-style: chr3-47412603-G-T. GRCh37 (hg19) VCF-style: chr3-47454093-G-T.
Other names: c.4029G>T, p.Leu1343Phe (NM_001304482.2); short protein forms L1469F, L1343F.
Identifiers: ClinVar variation 1394840 (VCV001394840.5), dbSNP rs2107728807, ClinGen allele CA352567102.
Genomic context (GRCh38, chr3:47,412,603, plus strand): 5'-GGTGAGACACGTGGAGCAGGTCCTGCAGCGCCATGGTGTGCCTCCTCCATGCAAACCCTT[G>T]GCCAGTGCAAGCATCAGCCAGAAGGTGAGGAAGGTTCCGTGGAAGCTGCTGGGAGAGCCA-3'
Protein context (NP_056281.1, residues 1459-1479): RHGVPPPCKP[Leu1469Phe]ASASISQKNH

ClinVar aggregate classification (germline): Uncertain significance (1 of 4 stars; one submission).

Submission:

Labcorp Genetics (formerly Invitae), Labcorp
Classification: Uncertain significance. Last evaluated: 2021-12-02. Review status: criteria provided, single submitter. Criteria: Invitae Variant Classification Sherloc (09022015). Collection method: clinical testing. Allele origin: germline.
Comment: This variant is not present in population databases (gnomAD no frequency). This sequence change replaces leucine, which is neutral and non-polar, with phenylalanine, which is neutral and non-polar, at codon 1469 of the PTPN23 protein (p.Leu1469Phe). This variant has not been reported in the literature in individuals affected with PTPN23-related conditions. Algorithms developed to predict the effect of missense changes on protein structure and function (SIFT, PolyPhen-2, Align-GVGD) all suggest that this variant is likely to be tolerated. In summary, the available evidence is currently insufficient to determine the role of this variant in disease. Therefore, it has been classified as a Variant of Uncertain Significance.